The following is an entry in ClinVar:

NC_000019.9:g.(?_50912036)_(50920532_?)dup

Gene: POLD1 (DNA polymerase delta 1, catalytic subunit; plus strand). Cytogenetic location: 19q13.33.
Variant type: Duplication.
Identifiers: ClinVar variation 537178 (VCV000537178.7).

ClinVar aggregate classification (germline): Uncertain significance (1 of 4 stars; one submission).

Conditions:
POLD1-related polyposis and colorectal cancer syndrome (CRCS10). Also called: Colorectal cancer 10; COLORECTAL CANCER, SUSCEPTIBILITY TO, ON CHROMOSOME 19q; Colorectal cancer, susceptibility to, 10. Identifiers: Orphanet 220460, MedGen C2675481, MONDO:0012953, OMIM 612591.

Submission:

Labcorp Genetics (formerly Invitae), Labcorp
Classification: Uncertain significance for POLD1-related polyposis and colorectal cancer syndrome. Last evaluated: 2017-10-21. Review status: criteria provided, single submitter. Criteria: Invitae Variant Classification Sherloc (09022015). Collection method: clinical testing. Allele origin: germline.
Comment: Experimental studies and prediction algorithms are not available for this variant, and the functional significance of the duplicated amino acids is currently unknown. In summary, the available evidence is currently insufficient to determine the role of this variant in disease. Therefore, it has been classified as a Variant of Uncertain Significance. This variant has not been reported in the literature in individuals with POLD1-related disease. This variant is a gross duplication of the genomic region encompassing exons 15-26 of the POLD1 gene. While the exact position of the duplicated exons cannot be determined from this data, sub-genic duplications are generally in tandem (PMID: 25640679). This duplication would be expected to be in-frame, preserving the integrity of the reading frame.

Literature cited by the submitters: PubMed 25640679.